The following is an entry in ClinVar:

NM_014639.4(SKIC3):c.322G>A (p.Glu108Lys)

Gene: SKIC3 (SKI3 subunit of superkiller complex; minus strand). Cytogenetic location: 5q15.
Variant type: single nucleotide variant.
Coding change: c.322G>A on transcript NM_014639.4 (MANE Select); coding-DNA position 322, G replaced by A.
Protein change: p.Glu108Lys; replaces glutamic acid 108 with lysine.
Molecular consequence: missense variant.
Genome position (GRCh38, 1-based): chr5:95,541,819, C>T on the plus strand (G>A on the coding strand, the complement: SKIC3 is on the minus strand). VCF-style: chr5-95541819-C-T. GRCh37 (hg19) VCF-style: chr5-94877523-C-T.
Other names: short protein forms E108K.
Identifiers: ClinVar variation 1486440 (VCV001486440.5), dbSNP rs1346111882, ClinGen allele CA360444496.

ClinVar aggregate classification (germline): Uncertain significance (1 of 4 stars; one submission).

Allele frequency attached by ClinVar (database versions not stated): TOPMed 0.00001.

Submission:

Labcorp Genetics (formerly Invitae), Labcorp
Classification: Uncertain significance. Last evaluated: 2022-08-27. Review status: criteria provided, single submitter. Criteria: Invitae Variant Classification Sherloc (09022015). Collection method: clinical testing. Allele origin: germline.
Comment: This sequence change replaces glutamic acid, which is acidic and polar, with lysine, which is basic and polar, at codon 108 of the TTC37 protein (p.Glu108Lys). This variant is not present in population databases (gnomAD no frequency). This variant has not been reported in the literature in individuals affected with TTC37-related conditions. ClinVar contains an entry for this variant (Variation ID: 1486440). Algorithms developed to predict the effect of missense changes on protein structure and function (SIFT, PolyPhen-2, Align-GVGD) all suggest that this variant is likely to be tolerated. In summary, the available evidence is currently insufficient to determine the role of this variant in disease. Therefore, it has been classified as a Variant of Uncertain Significance.